The following is an entry in ClinVar:

ClinVar aggregate classification (germline): Uncertain significance (1 of 4 stars; one submission).

Submission:

Women's Health and Genetics/Laboratory Corporation of America, LabCorp
Classification: Uncertain significance. Last evaluated: 2026-04-28. Review status: criteria provided, single submitter. Criteria: LabCorp Variant Classification Summary - May 2015. Collection method: clinical testing. Allele origin: germline.
Comment: Variant summary: The variant involves the duplication of exons 1-6 in the IL1RN gene. A presumed nomenclature of c.(?_-49)_(*1144_?)dup has been designated for the purposes of this classification. This duplication includes the entire coding sequence of the gene. As exact breakpoints are unknown, it may extend beyond the annotated region of the gene, to include other flanking genes. The variant was absent in 21694 control chromosomes. The available data on variant occurrences in the general population are insufficient to allow any conclusion about variant significance. To our knowledge, no occurrence of c.(?_-49)_(*1144_?)dup in individuals affected with IL1RN-related conditions and no experimental evidence demonstrating its impact on protein function have been reported. ClinVar contains an entry for this variant (Variation ID: 2427517). Based on the evidence outlined above, the variant was classified as uncertain significance.

NC_000002.11:g.(?_113875547)_(113891592_?)dup

Gene: IL1RN (interleukin 1 receptor antagonist; plus strand). Cytogenetic location: 2q13.
Variant type: Duplication.
Identifiers: ClinVar variation 4848708 (VCV004848708.1).